The following is an entry in ClinVar:

NM_003872.3(NRP2):c.387C>A (p.Ala129=)

Gene: NRP2 (neuropilin 2; plus strand). Cytogenetic location: 2q33.3.
Variant type: single nucleotide variant.
Coding change: c.387C>A on transcript NM_003872.3 (MANE Select); coding-DNA position 387, C replaced by A.
Protein change: p.Ala129=; no amino-acid change (alanine 129 retained).
Molecular consequence: synonymous variant.
Genome position (GRCh38, 1-based): chr2:205,716,328, C>A. VCF-style: chr2-205716328-C-A. GRCh37 (hg19) VCF-style: chr2-206581052-C-A.
Other names: c.387C>A, p.Ala129= (NM_018534.4, NM_201264.2, NM_201266.2 and 2 more transcripts).
Identifiers: ClinVar variation 761015 (VCV000761015.5), dbSNP rs772877594, ClinGen allele CA2068790.
Genomic context (GRCh38, chr2:205,716,328, plus strand): 5'-CCCGCCCACCATCATCTCCTCGGGCTCCATGCTCTACATCAAGTTCACCTCCGACTACGC[C>A]CGGCAGGGGGCAGGCTTCTCTCTGCGCTACGAGATCTTCAAGACAGGTCAGTGTGGTCAC-3'
Protein context (NP_003863.2, residues 119-139): MLYIKFTSDY[Ala129=]RQGAGFSLRY

ClinVar aggregate classification (germline): Benign. Review status: criteria provided, single submitter (1 of 4 stars). 2 submissions from 2 submitters: Benign (1). 1 of the submissions does not count toward it. Last evaluated 2018-07-19.

Conditions:
NRP2-related disorder. Also called: NRP2-related condition.

Allele frequency attached by ClinVar (database versions not stated): gnomAD below 0.00001 and 0.00005; TOPMed 0.00002; ExAC 0.00038.
gnomAD v4.1: 331 of 1,614,120 alleles (0.021%); highest among the groups gnomAD compares: Middle Eastern, 0.3%; 4 homozygotes.

Submissions (2):

Labcorp Genetics (formerly Invitae), Labcorp
Classification: Benign. Last evaluated: 2018-07-19. Review status: criteria provided, single submitter. Criteria: Invitae Variant Classification Sherloc (09022015). Collection method: clinical testing. Allele origin: germline.

PreventionGenetics, part of Exact Sciences
Classification: Likely benign for NRP2-related condition. Last evaluated: 2021-10-27. Review status: no assertion criteria provided. Collection method: clinical testing. Allele origin: germline. Not counted in ClinVar's aggregate classification.
Comment: This variant is classified as likely benign based on ACMG/AMP sequence variant interpretation guidelines (Richards et al. 2015 PMID: 25741868, with internal and published modifications).